The following is an entry in ClinVar:

NM_024537.4(CARS2):c.1126G>A (p.Asp376Asn)

Gene: CARS2 (cysteinyl-tRNA synthetase 2, mitochondrial; minus strand). Cytogenetic location: 13q34.
Variant type: single nucleotide variant.
Coding change: c.1126G>A on transcript NM_024537.4 (MANE Select); coding-DNA position 1126, G replaced by A.
Protein change: p.Asp376Asn; replaces aspartic acid 376 with asparagine.
Molecular consequence: missense variant. On other transcripts: non-coding transcript variant (2).
Genome position (GRCh38, 1-based): chr13:110,647,168, C>T on the plus strand (G>A on the coding strand, the complement: CARS2 is on the minus strand). VCF-style: chr13-110647168-C-T. GRCh37 (hg19) VCF-style: chr13-111299515-C-T.
Other names: c.340G>A, p.Asp114Asn (NM_001352252.2); short protein forms D114N, D376N.
Identifiers: ClinVar variation 1011713 (VCV001011713.8), dbSNP rs1270277121, ClinGen allele CA388744142.
Genomic context (GRCh38, chr13:110,647,168, plus strand): 5'-ACAGCATCGCTTCCCTGACGGAGCCGCAGGCCAGCTGCCCCTTCATGTAGGCACGTGCGT[C>T]CTCCAGGAAAGAGCCCAGCCCCAGGAGCAGCTGCTGAGCTTGGAGCATGGCGCTGTCACT-3'
Protein context (NP_078813.1, residues 366-386): LLLGLGSFLE[Asp376Asn]ARAYMKGQLA

ClinVar aggregate classification (germline): Uncertain significance (1 of 4 stars; one submission).

Conditions:
Combined oxidative phosphorylation defect type 27. Also called: Combined oxidative phosphorylation deficiency 27. Identifiers: Orphanet 477774, MedGen C5567608, MONDO:0014728, OMIM 616672.

Allele frequency attached by ClinVar (database versions not stated): TOPMed below 0.00001.

Submission:

Labcorp Genetics (formerly Invitae), Labcorp
Classification: Uncertain significance for Combined oxidative phosphorylation defect type 27. Last evaluated: 2020-06-06. Review status: criteria provided, single submitter. Criteria: Invitae Variant Classification Sherloc (09022015). Collection method: clinical testing. Allele origin: germline.
Comment: Algorithms developed to predict the effect of missense changes on protein structure and function (SIFT, PolyPhen-2, Align-GVGD) all suggest that this variant is likely to be tolerated, but these predictions have not been confirmed by published functional studies and their clinical significance is uncertain. In summary, the available evidence is currently insufficient to determine the role of this variant in disease. Therefore, it has been classified as a Variant of Uncertain Significance. This sequence change replaces aspartic acid with asparagine at codon 376 of the CARS2 protein (p.Asp376Asn). The aspartic acid residue is highly conserved and there is a small physicochemical difference between aspartic acid and asparagine. This variant is not present in population databases (ExAC no frequency). This variant has not been reported in the literature in individuals with CARS2-related conditions.